The following is an entry in ClinVar:

ClinVar aggregate classification (germline): Uncertain significance (1 of 4 stars; one submission).

Conditions:
Inborn genetic diseases. Identifiers: MedGen C0950123, MeSH D030342.

Submission:

Ambry Genetics
Classification: Uncertain significance for Inborn genetic diseases. Last evaluated: 2025-11-26. Review status: criteria provided, single submitter. Criteria: Ambry Variant Classification Scheme 2023. Collection method: clinical testing. Allele origin: germline.
Comment: The c.73delA variant, located in coding exon 2 of the RUNX1 gene, results from a deletion of one nucleotide at nucleotide position 73, causing a translational frameshift with a predicted alternate stop codon (p.M25*). This region of the gene is excluded from other biologically relevant transcripts. Based on the available evidence, the clinical significance of this variant remains unclear.

NM_001754.5(RUNX1):c.73del (p.Gly24_Met25insTer)

Gene: RUNX1 (RUNX family transcription factor 1; minus strand). Cytogenetic location: 21q22.12.
Variant type: Deletion.
Coding change: c.73del on transcript NM_001754.5 (MANE Select); coding-DNA position 73, one base deleted (A; older notation c.73delA).
Protein change: p.Gly24_Met25insTer.
Molecular consequence: nonsense. On other transcripts: frameshift variant (1).
Genome position (GRCh38, 1-based): chr21:34,892,949, T deleted on the plus strand (A on the coding strand, the reverse complement: RUNX1 is on the minus strand); the first of 2 consecutive T bases (chr21:34,892,949-34,892,950); deleting either gives the same sequence. VCF-style (leftmost placement, unchanged base first): chr21-34892948-AT-A. GRCh37 (hg19) VCF-style: chr21-36265245-AT-A.
Other names: c.73delA (NM_001754.4).
Identifiers: ClinVar variation 4629713 (VCV004629713.1).